The following is an entry in ClinVar:

ClinVar aggregate classification (germline): Uncertain significance (1 of 4 stars; one submission).

gnomAD v4.1: 2 of 1,609,828 alleles (0.00012%); highest among the groups gnomAD compares: Non-Finnish European, 0.00017%; no homozygotes.

Submission:

Labcorp Genetics (formerly Invitae), Labcorp
Classification: Uncertain significance. Last evaluated: 2024-02-02. Review status: criteria provided, single submitter. Criteria: Invitae Variant Classification Sherloc (09022015). Collection method: clinical testing. Allele origin: germline.
Comment: This sequence change replaces glutamic acid, which is acidic and polar, with aspartic acid, which is acidic and polar, at codon 721 of the CACNA2D4 protein (p.Glu721Asp). This variant is present in population databases (rs776592012, gnomAD 0.0009%). This variant has not been reported in the literature in individuals affected with CACNA2D4-related conditions. An algorithm developed to predict the effect of missense changes on protein structure and function (PolyPhen-2) suggests that this variant is likely to be tolerated. In summary, the available evidence is currently insufficient to determine the role of this variant in disease. Therefore, it has been classified as a Variant of Uncertain Significance.

NM_172364.5(CACNA2D4):c.2163G>T (p.Glu721Asp)

Gene: CACNA2D4 (calcium voltage-gated channel auxiliary subunit alpha2delta 4; minus strand). Cytogenetic location: 12p13.33.
Variant type: single nucleotide variant.
Coding change: c.2163G>T on transcript NM_172364.5 (MANE Select); coding-DNA position 2163, G replaced by T.
Protein change: p.Glu721Asp; replaces glutamic acid 721 with aspartic acid.
Molecular consequence: missense variant.
Genome position (GRCh38, 1-based): chr12:1,854,034, C>A on the plus strand (G>T on the coding strand, the complement: CACNA2D4 is on the minus strand). VCF-style: chr12-1854034-C-A. GRCh37 (hg19) VCF-style: chr12-1963200-C-A.
Other names: short protein forms E721D.
Identifiers: ClinVar variation 3688853 (VCV003688853.2).